The following is an entry in ClinVar:

ClinVar aggregate classification (germline): Conflicting classifications of pathogenicity. Review status: criteria provided, conflicting classifications (1 of 4 stars). 7 submissions from 7 submitters: Uncertain significance (4); Likely benign (3). Last evaluated 2026-01-19.

Conditions:
Familial thoracic aortic aneurysm and aortic dissection (TAAD). Also called: Thoracic aortic aneurysms and dissections. Identifiers: Orphanet 91387, MedGen C4707243, MONDO:0019625.
Ehlers-Danlos syndrome, classic type, 1 (EDSCL1). Also called: EHLERS-DANLOS SYNDROME, GRAVIS TYPE; EHLERS-DANLOS SYNDROME, SEVERE CLASSIC TYPE; Ehlers-Danlos syndrome, type 1; Ehlers-Danlos Syndrome, Classic Type, COL5A1-Related; EDS I. Identifiers: MedGen C0268335, MONDO:0019567, OMIM 130000.
Ehlers-Danlos syndrome (EDS). Identifiers: Orphanet 98249, MedGen C0013720, MONDO:0020066.

Allele frequency attached by ClinVar (database versions not stated): gnomAD exomes 0.00008 and 0.00012; ExAC 0.00013; ESP Exome Variant Server 0.00015; gnomAD 0.00019; TOPMed 0.00022; 1000 Genomes Project 30x 0.00062; 1000 Genomes Project 0.00080.
gnomAD v4.1: 146 of 1,613,988 alleles (0.009%); highest among the groups gnomAD compares: African/African-American, 0.044%; no homozygotes.

Submissions (7):

Labcorp Genetics (formerly Invitae), Labcorp
Classification: Likely benign for Ehlers-Danlos syndrome, classic type, 1. Last evaluated: 2026-01-19. Review status: criteria provided, single submitter. Criteria: Invitae Variant Classification Sherloc (09022015). Collection method: clinical testing. Allele origin: germline.

Blueprint Genetics
Classification: Likely benign. Last evaluated: 2024-10-28. Review status: criteria provided, single submitter. Criteria: ACMG Guidelines, 2015. Collection method: clinical testing. Allele origin: germline.

Women's Health and Genetics/Laboratory Corporation of America, LabCorp
Classification: Likely benign. Last evaluated: 2024-08-12. Review status: criteria provided, single submitter. Criteria: LabCorp Variant Classification Summary - May 2015. Collection method: clinical testing. Allele origin: germline.
Comment: Variant summary: COL5A1 c.944C>T (p.Thr315Met) results in a non-conservative amino acid change in the encoded protein sequence. Three of five in-silico tools predict a benign effect of the variant on protein function. The variant allele was found at a frequency of 0.00012 in 251152 control chromosomes. The observed variant frequency is approximately 4 fold of the estimated maximal expected allele frequency for a pathogenic variant in COL5A1 causing Ehlers-Danlos Syndrome phenotype (3.1e-05). c.944C>T has been reported in the literature in at least one individual affected with Ehlers-Danlos Syndrome (e.g., Junkiert-Czarnecka_2019, Junkiert-Czarnecka_2022) as well as an individual with arterial ectasia and dissections (e.g., Loganathan_2022, no PMID), however without strong evidence for causality in both cases. These report(s) do not provide unequivocal conclusions about association of the variant with Ehlers-Danlos Syndrome. To our knowledge, no experimental evidence demonstrating an impact on protein function has been reported. The following publications have been ascertained in the context of this evaluation (PMID: 30858776, 35723357). ClinVar contains an entry for this variant (Variation ID: 213018). Based on the evidence outlined above, the variant was classified as likely benign.

CeGaT Center for Human Genetics Tuebingen
Classification: Uncertain significance. Last evaluated: 2024-02-01. Review status: criteria provided, single submitter. Criteria: CeGaT Center For Human Genetics Tuebingen Variant Classification Criteria Version 2. Collection method: clinical testing. Allele origin: germline. Affected: yes. Observed: 2 variant alleles.

Ambry Genetics
Classification: Uncertain significance for Familial thoracic aortic aneurysm and aortic dissection. Last evaluated: 2023-11-15. Review status: criteria provided, single submitter. Criteria: Ambry Variant Classification Scheme 2023. Collection method: clinical testing. Allele origin: germline.
Comment: The p.T315M variant (also known as c.944C>T), located in coding exon 7 of the COL5A1 gene, results from a C to T substitution at nucleotide position 944. The threonine at codon 315 is replaced by methionine, an amino acid with similar properties. This variant has been reported in an individual with clinical features of classical Ehlers-Danlos syndrome (EDS) (Junkiert-Czarnecka A et al. Postepy Dermatol Alergol, 2019 Feb;36:29-33). This amino acid position is not well conserved in available vertebrate species, and methionine is the reference amino acid in other vertebrate species. In addition, this alteration is predicted to be tolerated by in silico analysis. Since supporting evidence is limited at this time, the clinical significance of this alteration remains unclear.

Genome Diagnostics Laboratory, The Hospital for Sick Children
Classification: Uncertain significance for Ehlers-Danlos syndrome. Last evaluated: 2021-10-09. Review status: criteria provided, single submitter. Criteria: ACMG Guidelines, 2015. Collection method: clinical testing. Allele origin: germline.

GeneDx
Classification: Uncertain significance. Last evaluated: 2019-01-15. Review status: criteria provided, single submitter. Criteria: GeneDx Variant Classification (06012015). Collection method: clinical testing. Allele origin: germline. Affected: yes.
Comment: p.Thr315Met (T315M) ACG>ATG: c.944 C>T in exon 7 of the COL5A1 gene (NM_000093.3) The T315M variant has not been published as a mutation or been reported as a benign polymorphism to our knowledge. Although the T315M variant was not observed with significant frequency in approximately 6500 individuals of European and African American ancestry in the NHLBI Exome Sequencing Project, the 1000 Genomes Project reports T315M was observed in 4/1516 (0.3%) alleles from individuals of African American background. The T315M variant is a non-conservative amino acid substitution, which is likely to impact secondary protein structure as these residues differ in polarity, charge, size and/or other properties. This substitution occurs at a position that is conserved in mammals. However, in silico analysis is inconsistent in its predictions as to whether or not the variant is damaging to the protein structure/function. Furthermore, missense mutations in nearby residues have not been reported in association with EDS, suggesting this region of the protein may be tolerant of change.Therefore, based on the currently available information, it is unclear whether this variant is a pathogenic mutation or a rare benign variant. This variant was found in TAADV2-1,TAAD

Literature cited by the submitters: PubMed 30858776 (cited by Women's Health and Genetics/Laboratory Corporation of America, LabCorp and Ambry Genetics); PubMed 35723357 (cited by Women's Health and Genetics/Laboratory Corporation of America, LabCorp and Ambry Genetics); PubMed 36973604 (cited by Ambry Genetics).

NM_000093.5(COL5A1):c.944C>T (p.Thr315Met)

Gene: COL5A1 (collagen type V alpha 1 chain; plus strand). Cytogenetic location: 9q34.3.
Variant type: single nucleotide variant.
Coding change: c.944C>T on transcript NM_000093.5 (MANE Select); coding-DNA position 944, C replaced by T.
Protein change: p.Thr315Met; replaces threonine 315 with methionine.
Molecular consequence: missense variant.
Genome position (GRCh38, 1-based): chr9:134,730,255, C>T. VCF-style: chr9-134730255-C-T. GRCh37 (hg19) VCF-style: chr9-137622101-C-T.
Other names: p.T315M:ACG>ATG; c.944C>T, p.Thr315Met (NM_001278074.1); short protein forms T315M.
Identifiers: ClinVar variation 213018 (VCV000213018.54), dbSNP rs145093766, ClinGen allele CA323152.